The following is an entry in ClinVar:

ClinVar aggregate classification (germline): Uncertain significance (1 of 4 stars; one submission).

Conditions:
Deficiency of malonyl-CoA decarboxylase. Also called: Malonic aciduria; MCD deficiency. Identifiers: Orphanet 943, MedGen C0342793, MONDO:0009556, OMIM 248360.

Allele frequency attached by ClinVar (database versions not stated): gnomAD exomes below 0.00001; gnomAD 0.00002.

Submission:

Labcorp Genetics (formerly Invitae), Labcorp
Classification: Uncertain significance for Deficiency of malonyl-CoA decarboxylase. Last evaluated: 2022-01-15. Review status: criteria provided, single submitter. Criteria: Invitae Variant Classification Sherloc (09022015). Collection method: clinical testing. Allele origin: germline.
Comment: This sequence change replaces glutamic acid, which is acidic and polar, with alanine, which is neutral and non-polar, at codon 353 of the MLYCD protein (p.Glu353Ala). This variant is not present in population databases (gnomAD no frequency). This variant has not been reported in the literature in individuals affected with MLYCD-related conditions. Algorithms developed to predict the effect of missense changes on protein structure and function are either unavailable or do not agree on the potential impact of this missense change (SIFT: "Tolerated"; PolyPhen-2: "Benign"; Align-GVGD: "Class C25"). In summary, the available evidence is currently insufficient to determine the role of this variant in disease. Therefore, it has been classified as a Variant of Uncertain Significance.

NM_012213.3(MLYCD):c.1058A>C (p.Glu353Ala)

Gene: MLYCD (malonyl-CoA decarboxylase; plus strand). Cytogenetic location: 16q23.3.
Variant type: single nucleotide variant.
Coding change: c.1058A>C on transcript NM_012213.3 (MANE Select); coding-DNA position 1058, A replaced by C.
Protein change: p.Glu353Ala; replaces glutamic acid 353 with alanine.
Molecular consequence: missense variant.
Genome position (GRCh38, 1-based): chr16:83,915,065, A>C. VCF-style: chr16-83915065-A-C. GRCh37 (hg19) VCF-style: chr16-83948670-A-C.
Other names: short protein forms E353A.
Identifiers: ClinVar variation 1433620 (VCV001433620.3), dbSNP rs966540879, ClinGen allele CA285430268.